The following is an entry in ClinVar:

ClinVar aggregate classification (germline): Benign/Likely benign. Review status: criteria provided, multiple submitters, no conflicts (2 of 4 stars). 6 submissions from 6 submitters: Benign (1); Likely benign (3). 2 of the submissions do not count toward it. Last evaluated 2024-11-25.

Conditions:
Intellectual disability. Also called: Intellectual functioning disability; Intellectual developmental disorder; intellectual disabilities. Identifiers: MedGen C3714756, MeSH D008607, MONDO:0001071, HP:0001249.

Allele frequency attached by ClinVar (database versions not stated): TOPMed 0.00012; gnomAD 0.00016.
gnomAD v4.1: 163 of 1,607,034 alleles (0.01%); highest among the groups gnomAD compares: Middle Eastern, 0.033%; no homozygotes.

Submissions (6):

Blueprint Genetics
Classification: Likely benign. Last evaluated: 2024-11-25. Review status: criteria provided, single submitter. Criteria: ACMG Guidelines, 2015. Collection method: clinical testing. Allele origin: germline.

CeGaT Center for Human Genetics Tuebingen
Classification: Likely benign. Last evaluated: 2022-07-01. Review status: criteria provided, single submitter. Criteria: CeGaT Center For Human Genetics Tuebingen Variant Classification Criteria Version 2. Collection method: clinical testing. Allele origin: germline. Affected: yes. Observed: 1 variant allele.
Comment: HDAC4: BP4

Cambridge Genomics Laboratory, East Genomic Laboratory Hub, NHS Genomic Medicine Service
Classification: Benign for Intellectual disability. Last evaluated: 2020-02-07. Review status: criteria provided, single submitter. Criteria: ACGS Best Practice Guidelines for Variant Classification in Rare Disease 2020. Collection method: clinical testing. Allele origin: germline. Affected: yes. Observed: 1 variant allele.

Labcorp Genetics (formerly Invitae), Labcorp
Classification: Likely benign. Last evaluated: 2019-12-31. Review status: criteria provided, single submitter. Criteria: Invitae Variant Classification Sherloc (09022015). Collection method: clinical testing. Allele origin: germline.

Diagnostic Laboratory, Department of Genetics, University Medical Center Groningen
Classification: Likely benign. Review status: no assertion criteria provided. Collection method: clinical testing. Allele origin: germline. Affected: yes. Study: VKGL Data-share Consensus. Not counted in ClinVar's aggregate classification.

Laboratory of Diagnostic Genome Analysis, Leiden University Medical Center (LUMC)
Classification: Likely benign. Review status: no assertion criteria provided. Collection method: clinical testing. Allele origin: germline. Affected: yes. Study: VKGL Data-share Consensus. Not counted in ClinVar's aggregate classification.

NM_001378414.1(HDAC4):c.2445-4G>A

Gene: HDAC4 (histone deacetylase 4; minus strand). Cytogenetic location: 2q37.3.
Variant type: single nucleotide variant.
Coding change: c.2445-4G>A on transcript NM_001378414.1 (MANE Select); 4 bases into the intron before coding-DNA position 2445, G replaced by A.
Molecular consequence: intron variant.
Genome position (GRCh38, 1-based): chr2:239,084,246, C>T on the plus strand (G>A on the coding strand, the complement: HDAC4 is on the minus strand). VCF-style: chr2-239084246-C-T. GRCh37 (hg19) VCF-style: chr2-240005942-C-T.
Other names: c.2430-4G>A (NM_001378417.1, NM_001378416.1, NM_006037.4); c.2445-4G>A (NM_001378415.1).
Identifiers: ClinVar variation 741950 (VCV000741950.34), dbSNP rs528609316, ClinGen allele CA2199375.